The following is an entry in ClinVar:

NM_001204375.2(NPR3):c.1088A>T (p.Asp363Val)

Gene: NPR3 (natriuretic peptide receptor 3; plus strand). Cytogenetic location: 5p13.3.
Variant type: single nucleotide variant.
Coding change: c.1088A>T on transcript NM_001204375.2 (MANE Select); coding-DNA position 1088, A replaced by T.
Protein change: p.Asp363Val; replaces aspartic acid 363 with valine.
Molecular consequence: missense variant.
Genome position (GRCh38, 1-based): chr5:32,774,736, A>T. VCF-style: chr5-32774736-A-T. GRCh37 (hg19) VCF-style: chr5-32774842-A-T.
Other names: c.1088A>T, p.Asp363Val (NM_000908.4); c.440A>T, p.Asp147Val (NM_001204376.2, NM_001363652.2); c.368A>T, p.Asp123Val (NM_001364458.2); c.317A>T, p.Asp106Val (NM_001364460.2); short protein forms D363V, D106V, D123V, D147V.
Identifiers: ClinVar variation 1285630 (VCV001285630.2), dbSNP rs1741953064, ClinGen allele CA359466829.

ClinVar aggregate classification (germline): Likely pathogenic. Review status: criteria provided, single submitter (1 of 4 stars). 2 submissions from 2 submitters: Likely pathogenic (1). 1 of the submissions does not count toward it. Last evaluated 2022-03-18.

Conditions:
Boudin-Mortier syndrome (BOMOS). Also called: Tall stature and long digits with extra epiphyses. Identifiers: MedGen C5561992, MONDO:0859194, OMIM 619543.

Submissions (2):

SIB Swiss Institute of Bioinformatics
Classification: Likely pathogenic for Boudin-Mortier syndrome. Last evaluated: 2022-03-18. Review status: criteria provided, single submitter. Criteria: ACMG Guidelines, 2015. Collection method: curation. Allele origin: unknown.
Comment: This variant is interpreted as likely pathogenic for Boudin-Mortier syndrome, autosomal recessive. The following ACMG Tag(s) were applied: Absent from controls (or at extremely low frequency if recessive) in Exome Sequencing Project, 1000 Genomes Project, or Exome Aggregation Consortium (PM2); Multiple lines of computational evidence support a deleterious effect on the gene or gene product (PP3); Well-established functional studies show a deleterious effect (PS3).

OMIM
Classification: Pathogenic for BOUDIN-MORTIER SYNDROME. Last evaluated: 2021-09-24. Review status: no assertion criteria provided. Collection method: literature only. Allele origin: germline. Not counted in ClinVar's aggregate classification.

Literature cited by the submitters: PubMed 30032985 (cited by SIB Swiss Institute of Bioinformatics and OMIM).